The following is an entry in ClinVar:

NM_080680.3(COL11A2):c.3366+1G>A

Gene: COL11A2 (collagen type XI alpha 2 chain; minus strand). Cytogenetic location: 6p21.32.
Variant type: single nucleotide variant.
Coding change: c.3366+1G>A on transcript NM_080680.3 (MANE Select); the canonical splice donor site of the intron after coding-DNA position 3366, G replaced by A.
Molecular consequence: splice donor variant.
Genome position (GRCh38, 1-based): chr6:33,171,113, C>T on the plus strand (G>A on the coding strand, the complement: COL11A2 is on the minus strand). VCF-style: chr6-33171113-C-T. GRCh37 (hg19) VCF-style: chr6-33138890-C-T.
Other names: c.3045+1G>A (NM_080679.3); c.3108+1G>A (NM_080681.3).
Identifiers: ClinVar variation 1472660 (VCV001472660.6), dbSNP rs2150544713, ClinGen allele CA363634168.
Genomic context (GRCh38, chr6:33,171,113, plus strand): 5'-GGGGAGCTGAGGGAGGACCAGAGGCTGCTGGGCCTTCGGTGGGGGTGGAGGGGTCACTCA[C>T]CGCTGCTCCAGGCTGCCCCACAGGACCAATGGGTCCAGGGGGTCCAGGAGGGCCCTGGGT-3'

ClinVar aggregate classification (germline): Likely pathogenic (1 of 4 stars; one submission).

Submission:

Labcorp Genetics (formerly Invitae), Labcorp
Classification: Likely pathogenic. Last evaluated: 2025-11-10. Review status: criteria provided, single submitter. Criteria: Invitae Variant Classification Sherloc (09022015). Collection method: clinical testing. Allele origin: germline.
Comment: This sequence change affects a donor splice site in intron 45 of the COL11A2 gene. It is expected to disrupt RNA splicing. Variants that disrupt the donor or acceptor splice site typically lead to a loss of protein function (PMID: 16199547), and loss-of-function variants in COL11A2 are known to be pathogenic (PMID: 10677296, 21204229). This variant is not present in population databases (gnomAD no frequency). This variant has not been reported in the literature in individuals affected with COL11A2-related conditions. ClinVar contains an entry for this variant (Variation ID: 1472660). Algorithms developed to predict the effect of sequence changes on RNA splicing suggest that this variant may disrupt the consensus splice site. In summary, the currently available evidence indicates that the variant is pathogenic, but additional data are needed to prove that conclusively. Therefore, this variant has been classified as Likely Pathogenic.

Literature cited by the submitters: PubMed 16199547; PubMed 10677296; PubMed 21204229.